The following is an entry in ClinVar:

ClinVar aggregate classification (germline): Uncertain significance (1 of 4 stars; one submission).

Submission:

GeneDx
Classification: Uncertain significance. Last evaluated: 2019-01-30. Review status: criteria provided, single submitter. Criteria: GeneDx Variant Classification Process June 2021. Collection method: clinical testing. Allele origin: germline. Affected: yes.
Comment: Not observed in large population cohorts (Lek et al., 2016; McVean et al., 2012; Exome Variant Server); In silico analysis, which includes protein predictors and evolutionary conservation, supports a deleterious effect; Has not been previously published as pathogenic or benign to our knowledge

NM_001111125.3(IQSEC2):c.2369A>C (p.His790Pro)

Gene: IQSEC2 (IQ motif and Sec7 domain ArfGEF 2; minus strand). Cytogenetic location: Xp11.22.
Variant type: single nucleotide variant.
Coding change: c.2369A>C on transcript NM_001111125.3 (MANE Select); coding-DNA position 2369, A replaced by C.
Protein change: p.His790Pro; replaces histidine 790 with proline.
Molecular consequence: missense variant.
Genome position (GRCh38, 1-based): chrX:53,248,811, T>G on the plus strand (A>C on the coding strand, the complement: IQSEC2 is on the minus strand). VCF-style: chrX-53248811-T-G. GRCh37 (hg19) VCF-style: chrX-53277993-T-G.
Other names: c.1754A>C, p.His585Pro (NM_015075.2); short protein forms H585P, H790P.
Identifiers: ClinVar variation 1304476 (VCV001304476.2), dbSNP rs2147089327, ClinGen allele CA413158331.